The following is an entry in ClinVar:

ClinVar aggregate classification (germline): Uncertain significance (1 of 4 stars; one submission).

gnomAD v4.1: 2 of 1,436,364 alleles (0.00014%); highest among the groups gnomAD compares: Admixed American, 0.0021%; no homozygotes.

Submission:

Women's Health and Genetics/Laboratory Corporation of America, LabCorp
Classification: Uncertain significance. Last evaluated: 2023-12-11. Review status: criteria provided, single submitter. Criteria: LabCorp Variant Classification Summary - May 2015. Collection method: clinical testing. Allele origin: germline.
Comment: Variant summary: KIF5C c.10C>A (p.Pro4Thr) results in a non-conservative amino acid change in the encoded protein sequence. Three of five in-silico tools predict a benign effect of the variant on protein function. The frequency data for this variant in gnomAD is considered unreliable, as metrics indicate poor data quality at this position. To our knowledge, no occurrence of c.10C>A in individuals affected with Complex Cortical Dysplasia With Other Brain Malformations 2 and no experimental evidence demonstrating its impact on protein function have been reported. No submitters have cited clinical-significance assessments for this variant to ClinVar after 2014. Based on the evidence outlined above, the variant was classified as uncertain significance.

NM_004522.3(KIF5C):c.10C>A (p.Pro4Thr)

Gene: KIF5C (kinesin family member 5C; plus strand). Cytogenetic location: 2q23.1.
Variant type: single nucleotide variant.
Coding change: c.10C>A on transcript NM_004522.3 (MANE Select); coding-DNA position 10, C replaced by A.
Protein change: p.Pro4Thr; replaces proline 4 with threonine.
Molecular consequence: missense variant.
Genome position (GRCh38, 1-based): chr2:148,875,627, C>A. VCF-style: chr2-148875627-C-A. GRCh37 (hg19) VCF-style: chr2-149633196-C-A.
Other names: short protein forms P4T.
Identifiers: ClinVar variation 2691589 (VCV002691589.1), dbSNP rs919886799, ClinGen allele CA348865982.